The following is an entry in ClinVar:

ClinVar aggregate classification (germline): Uncertain significance (1 of 4 stars; one submission).

Conditions:
CHARGE syndrome (CHARGE). Also called: Hittner Hirsch Kreh syndrome; CHARGE ASSOCIATION--COLOBOMA, HEART ANOMALY, CHOANAL ATRESIA, RETARDATION, GENITAL AND EAR ANOMALIES; Coloboma, heart anomaly, choanal atresia, retardation, genital and ear anomalies; CHARGE association; Hall-Hittner syndrome. Identifiers: Orphanet 138, MedGen C0265354, MONDO:0008965.

gnomAD v4.1: 7 of 1,613,990 alleles (0.00043%); highest among the groups gnomAD compares: Non-Finnish European, 0.00059%; no homozygotes.

Submission:

Labcorp Genetics (formerly Invitae), Labcorp
Classification: Uncertain significance for CHARGE syndrome. Last evaluated: 2022-09-17. Review status: criteria provided, single submitter. Criteria: Invitae Variant Classification Sherloc (09022015). Collection method: clinical testing. Allele origin: germline.
Comment: Advanced modeling of protein sequence and biophysical properties (such as structural, functional, and spatial information, amino acid conservation, physicochemical variation, residue mobility, and thermodynamic stability) performed at Invitae indicates that this missense variant is not expected to disrupt CHD7 protein function. This sequence change replaces glutamine, which is neutral and polar, with arginine, which is basic and polar, at codon 1599 of the CHD7 protein (p.Gln1599Arg). This variant is not present in population databases (gnomAD no frequency). This variant has not been reported in the literature in individuals affected with CHD7-related conditions. In summary, the available evidence is currently insufficient to determine the role of this variant in disease. Therefore, it has been classified as a Variant of Uncertain Significance.

NM_017780.4(CHD7):c.4796A>G (p.Gln1599Arg)

Gene: CHD7 (chromodomain helicase DNA binding protein 7; plus strand). Cytogenetic location: 8q12.2.
Variant type: single nucleotide variant.
Coding change: c.4796A>G on transcript NM_017780.4 (MANE Select); coding-DNA position 4796, A replaced by G.
Protein change: p.Gln1599Arg; replaces glutamine 1599 with arginine.
Molecular consequence: missense variant. On other transcripts: intron variant (1).
Genome position (GRCh38, 1-based): chr8:60,841,998, A>G. VCF-style: chr8-60841998-A-G. GRCh37 (hg19) VCF-style: chr8-61754557-A-G.
Other names: c.1717-20231A>G (NM_001316690.1); short protein forms Q1599R.
Identifiers: ClinVar variation 1984342 (VCV001984342.4), dbSNP rs2487947941, ClinGen allele CA371319532.